The following is an entry in ClinVar:

ClinVar aggregate classification (germline): Uncertain significance (1 of 4 stars; one submission).

Conditions:
Baller-Gerold syndrome (BGS). Also called: CRANIOSYNOSTOSIS WITH RADIAL DEFECTS. Identifiers: Orphanet 1225, MedGen C0265308, MONDO:0009039, OMIM 218600.

Allele frequency attached by ClinVar (database versions not stated): gnomAD exomes below 0.00001; gnomAD 0.00001.
gnomAD v4.1: 3 of 1,577,274 alleles (0.00019%); highest among the groups gnomAD compares: Non-Finnish European, 0.00026%; no homozygotes.

Submission:

Labcorp Genetics (formerly Invitae), Labcorp
Classification: Uncertain significance for Baller-Gerold syndrome. Last evaluated: 2023-01-15. Review status: criteria provided, single submitter. Criteria: Invitae Variant Classification Sherloc (09022015). Collection method: clinical testing. Allele origin: germline.
Comment: In summary, the available evidence is currently insufficient to determine the role of this variant in disease. Therefore, it has been classified as a Variant of Uncertain Significance. Advanced modeling of protein sequence and biophysical properties (such as structural, functional, and spatial information, amino acid conservation, physicochemical variation, residue mobility, and thermodynamic stability) performed at Invitae indicates that this missense variant is not expected to disrupt RECQL4 protein function. ClinVar contains an entry for this variant (Variation ID: 1353783). This variant has not been reported in the literature in individuals affected with RECQL4-related conditions. This variant is present in population databases (no rsID available, gnomAD 0.007%). This sequence change replaces serine, which is neutral and polar, with arginine, which is basic and polar, at codon 650 of the RECQL4 protein (p.Ser650Arg).

NM_004260.4(RECQL4):c.1950T>G (p.Ser650Arg)

Gene: RECQL4 (RecQ like helicase 4; minus strand). Cytogenetic location: 8q24.3.
Variant type: single nucleotide variant.
Coding change: c.1950T>G on transcript NM_004260.4 (MANE Select); coding-DNA position 1950, T replaced by G.
Protein change: p.Ser650Arg; replaces serine 650 with arginine.
Molecular consequence: missense variant.
Genome position (GRCh38, 1-based): chr8:144,514,036, A>C on the plus strand (T>G on the coding strand, the complement: RECQL4 is on the minus strand). VCF-style: chr8-144514036-A-C. GRCh37 (hg19) VCF-style: chr8-145739420-A-C.
Other names: short protein forms S650R.
Identifiers: ClinVar variation 1353783 (VCV001353783.6), dbSNP rs1322122107, ClinGen allele CA372680432.